The following is an entry in ClinVar:

ClinVar aggregate classification (germline): Uncertain significance. Review status: criteria provided, multiple submitters, no conflicts (2 of 4 stars). 2 submissions from 2 submitters: Uncertain significance (2). Last evaluated 2025-11-06.

Submissions (2):

Women's Health and Genetics/Laboratory Corporation of America, LabCorp
Classification: Uncertain significance. Last evaluated: 2025-11-06. Review status: criteria provided, single submitter. Criteria: LabCorp Variant Classification Summary - May 2015. Collection method: clinical testing. Allele origin: germline.
Comment: Variant summary: NTRK2 c.1312G>A (p.Val438Met) results in a conservative amino acid change in the encoded protein sequence. Algorithms developed to predict the effect of missense changes on protein structure and function are either unavailable or do not agree on the potential impact of this missense change. The variant was absent in 251376 control chromosomes. The available data on variant occurrences in the general population are insufficient to allow any conclusion about variant significance. To our knowledge, no occurrence of c.1312G>A in individuals affected with NTRK2-related conditions and no experimental evidence demonstrating its impact on protein function have been reported. No submitters have cited clinical-significance assessments for this variant to ClinVar. Based on the evidence outlined above, the variant was classified as uncertain significance.

Labcorp Genetics (formerly Invitae), Labcorp
Classification: Uncertain significance. Last evaluated: 2025-03-09. Review status: criteria provided, single submitter. Criteria: Invitae Variant Classification Sherloc (09022015). Collection method: clinical testing. Allele origin: germline.
Comment: This sequence change replaces valine, which is neutral and non-polar, with methionine, which is neutral and non-polar, at codon 438 of the NTRK2 protein (p.Val438Met). This variant is not present in population databases (gnomAD no frequency). This variant has not been reported in the literature in individuals affected with NTRK2-related conditions. Invitae Evidence Modeling of protein sequence and biophysical properties (such as structural, functional, and spatial information, amino acid conservation, physicochemical variation, residue mobility, and thermodynamic stability) indicates that this missense variant is not expected to disrupt NTRK2 protein function with a negative predictive value of 80%. In summary, the available evidence is currently insufficient to determine the role of this variant in disease. Therefore, it has been classified as a Variant of Uncertain Significance.

NM_006180.6(NTRK2):c.1312G>A (p.Val438Met)

Gene: NTRK2 (neurotrophic receptor tyrosine kinase 2; plus strand). Cytogenetic location: 9q21.33.
Variant type: single nucleotide variant.
Coding change: c.1312G>A on transcript NM_006180.6 (MANE Select); coding-DNA position 1312, G replaced by A.
Protein change: p.Val438Met; replaces valine 438 with methionine.
Molecular consequence: missense variant.
Genome position (GRCh38, 1-based): chr9:84,752,001, G>A. VCF-style: chr9-84752001-G-A. GRCh37 (hg19) VCF-style: chr9-87366916-G-A.
Other names: c.1312G>A, p.Val438Met (NM_001007097.3, NM_001018064.3, NM_001018065.2 and 15 more transcripts); c.1273G>A, p.Val425Met (NM_001291937.2, NM_001369546.1); c.1276G>A, p.Val426Met (NM_001369534.1); c.844G>A, p.Val282Met (NM_001369535.1, NM_001369536.1, NM_001369550.1 and 2 more transcripts); short protein forms V282M, V425M, V426M, V438M.
Identifiers: ClinVar variation 4536999 (VCV004536999.2).